The following is an entry in ClinVar:

ClinVar aggregate classification (germline): Conflicting classifications of pathogenicity. Review status: criteria provided, conflicting classifications (1 of 4 stars). 2 submissions from 2 submitters: Pathogenic (1); Uncertain significance (1). Last evaluated 2025-12-01.

Conditions:
Neurodevelopmental-craniofacial syndrome with variable renal and cardiac abnormalities. Identifiers: MedGen C5561984, MONDO:0859190, OMIM 619522.

Submissions (2):

Women's Health and Genetics/Laboratory Corporation of America, LabCorp
Classification: Pathogenic for Neurodevelopmental-craniofacial syndrome with variable renal and cardiac abnormalities. Last evaluated: 2025-12-01. Review status: criteria provided, single submitter. Criteria: LabCorp Variant Classification Summary - May 2015. Collection method: clinical testing. Allele origin: germline.
Comment: Variant summary: ZMYM2 c.1293_1296delAACT (p.Thr432ArgfsX11) results in a premature termination codon, predicted to cause a truncation of the encoded protein or absence of the protein due to nonsense mediated decay, which are commonly known mechanisms for disease. The variant was absent in 164744 control chromosomes. To our knowledge, no experimental evidence demonstrating an impact on protein function has been reported. No submitters have cited clinical-significance assessments for this variant to ClinVar. Based on the evidence outlined above, the variant was classified as pathogenic.

Blueprint Genetics
Classification: Uncertain significance. Last evaluated: 2024-05-23. Review status: criteria provided, single submitter. Criteria: ACMG Guidelines, 2015. Collection method: clinical testing. Allele origin: germline.

NM_197968.4(ZMYM2):c.1293_1296del (p.Thr432fs)

Gene: ZMYM2 (zinc finger MYM-type containing 2; plus strand). Cytogenetic location: 13q12.11.
Variant type: Microsatellite.
Coding change: c.1293_1296del on transcript NM_197968.4 (MANE Select); coding-DNA positions 1293 to 1296, 4 bases deleted (AACT; older notation c.1293_1296delAACT).
Protein change: p.Thr432fs; shifts the reading frame from threonine 432.
Molecular consequence: frameshift variant. On other transcripts: non-coding transcript variant (1).
Genome position (GRCh38, 1-based): chr13:20,005,233-20,005,236, AACT deleted; deleting any 4 consecutive bases within chr13:20,005,229-20,005,236 gives the same sequence; the c. name uses the placement nearest the transcript's 3' end. VCF-style (leftmost placement, unchanged base first): chr13-20005228-AAACT-A. GRCh37 (hg19) VCF-style: chr13-20579368-AAACT-A.
Other names: c.1293_1296del, p.Thr432fs (NM_001190964.4, NM_001190965.4, NM_001353157.2 and 5 more transcripts); c.1098_1101del, p.Thr367fs (NM_001353161.3); c.1032_1035del, p.Thr345fs (NM_001353163.2); c.1293_1296delAACT (NM_197968.4); short protein forms T345fs, T367fs, T432fs.
Identifiers: ClinVar variation 4688707 (VCV004688707.2).